The following is an entry in ClinVar:

ClinVar aggregate classification (germline): Likely benign. Review status: criteria provided, multiple submitters, no conflicts (2 of 4 stars). 2 submissions from 2 submitters: Likely benign (2). Last evaluated 2026-07-07.

Conditions:
Rhabdoid tumor predisposition syndrome 2 (RTPS2). Identifiers: Orphanet 231108, Orphanet 69077, MedGen C2750074, MONDO:0013224, OMIM 613325.

Allele frequency attached by ClinVar (database versions not stated): TOPMed 0.00001; gnomAD 0.00001.
gnomAD v4.1: 1 of 1,613,866 alleles (0.000062%); highest among the groups gnomAD compares: African/African-American, 0.0013%; no homozygotes.

Submissions (2):

Myriad Genetics, Inc.
Classification: Likely benign for Rhabdoid tumor predisposition syndrome 2. Last evaluated: 2026-07-07. Review status: criteria provided, single submitter. Criteria: Myriad Autosomal Dominant, Autosomal Recessive and X-Linked Classification Criteria (2023). Collection method: clinical testing. Allele origin: unknown.
Comment: This variant is considered likely benign. This variant is intronic and is not expected to impact mRNA splicing.

Labcorp Genetics (formerly Invitae), Labcorp
Classification: Likely benign for Rhabdoid tumor predisposition syndrome 2. Last evaluated: 2021-05-28. Review status: criteria provided, single submitter. Criteria: Invitae Variant Classification Sherloc (09022015). Collection method: clinical testing. Allele origin: germline.

NM_003072.5(SMARCA4):c.1813-13G>T

Gene: SMARCA4 (SWI/SNF related BAF chromatin remodeling complex subunit ATPase 4; plus strand). Cytogenetic location: 19p13.2.
Variant type: single nucleotide variant.
Coding change: c.1813-13G>T on transcript NM_003072.5 (MANE Select); 13 bases into the intron before coding-DNA position 1813, G replaced by T.
Molecular consequence: intron variant.
Genome position (GRCh38, 1-based): chr19:11,003,016, G>T. VCF-style: chr19-11003016-G-T. GRCh37 (hg19) VCF-style: chr19-11113692-G-T.
Other names: c.1813-13G>T (NM_001128844.3, NM_001128849.3, NM_001128847.4 and 5 more transcripts).
Identifiers: ClinVar variation 1583433 (VCV001583433.9), dbSNP rs1255721020, ClinGen allele CA783238996.